The following is an entry in ClinVar:

NM_001034853.2(RPGR):c.134A>T (p.Glu45Val)

Gene: RPGR (retinitis pigmentosa GTPase regulator; minus strand). Cytogenetic location: Xp11.4.
Variant type: single nucleotide variant.
Coding change: c.134A>T on transcript NM_001034853.2 (MANE Select); coding-DNA position 134, A replaced by T.
Protein change: p.Glu45Val; replaces glutamic acid 45 with valine.
Molecular consequence: missense variant. On other transcripts: non-coding transcript variant (6).
Genome position (GRCh38, 1-based): chrX:38,323,419, T>A on the plus strand (A>T on the coding strand, the complement: RPGR is on the minus strand). VCF-style: chrX-38323419-T-A. GRCh37 (hg19) VCF-style: chrX-38182672-T-A.
Other names: c.134A>T, p.Glu45Val (NM_000328.3, NM_001367245.1, NM_001367246.1 and 4 more transcripts); c.164A>T, p.Glu55Val (NM_001367248.1); short protein forms E45V, E55V.
Identifiers: ClinVar variation 1521650 (VCV001521650.6), dbSNP rs2147291597, ClinGen allele CA412745766.

ClinVar aggregate classification (germline): Uncertain significance (1 of 4 stars; one submission).

Conditions:
Primary ciliary dyskinesia. Also called: Ciliary dyskinesia. Identifiers: Orphanet 244, MedGen C0008780, MONDO:0016575, HP:0012265.

Submission:

Labcorp Genetics (formerly Invitae), Labcorp
Classification: Uncertain significance for Primary ciliary dyskinesia. Last evaluated: 2021-12-15. Review status: criteria provided, single submitter. Criteria: Invitae Variant Classification Sherloc (09022015). Collection method: clinical testing. Allele origin: germline.
Comment: In summary, the available evidence is currently insufficient to determine the role of this variant in disease. Therefore, it has been classified as a Variant of Uncertain Significance. Algorithms developed to predict the effect of missense changes on protein structure and function (SIFT, PolyPhen-2, Align-GVGD) all suggest that this variant is likely to be disruptive. This variant has not been reported in the literature in individuals affected with RPGR-related conditions. This variant is not present in population databases (gnomAD no frequency). This sequence change replaces glutamic acid, which is acidic and polar, with valine, which is neutral and non-polar, at codon 45 of the RPGR protein (p.Glu45Val).